The following is an entry in ClinVar:

NM_052947.4(ALPK2):c.1121G>C (p.Cys374Ser)

Genes: ALPK2 (alpha kinase 2; minus strand), LOC114803473 (ALPK2 eExon liver enhancer; plus strand). Cytogenetic location: 18q21.31.
Variant type: single nucleotide variant.
Coding change: c.1121G>C on transcript NM_052947.4 (MANE Select); coding-DNA position 1121, G replaced by C.
Protein change: p.Cys374Ser; replaces cysteine 374 with serine.
Molecular consequence: missense variant.
Genome position (GRCh38, 1-based): chr18:58,579,655, C>G on the plus strand (G>C on the coding strand, the complement: ALPK2 is on the minus strand). VCF-style: chr18-58579655-C-G. GRCh37 (hg19) VCF-style: chr18-56246887-C-G.
Other names: short protein forms C374S.
Identifiers: ClinVar variation 1797933 (VCV001797933.2), dbSNP rs748294992, ClinGen allele CA8977317.

ClinVar aggregate classification (germline): Uncertain significance (1 of 4 stars; one submission).

Allele frequency attached by ClinVar (database versions not stated): ExAC 0.00001; gnomAD 0.00001; gnomAD exomes 0.00001; TOPMed 0.00001.
gnomAD v4.1: 5 of 1,613,984 alleles (0.00031%); highest among the groups gnomAD compares: Admixed American, 0.0083%; no homozygotes.

Submission:

Ambry Genetics
Classification: Uncertain significance. Last evaluated: 2022-10-12. Review status: criteria provided, single submitter. Criteria: Ambry Variant Classification Scheme 2023. Collection method: clinical testing. Allele origin: germline.
Comment: The p.C374S variant (also known as c.1121G>C), located in coding exon 3 of the ALPK2 gene, results from a G to C substitution at nucleotide position 1121. The cysteine at codon 374 is replaced by serine, an amino acid with dissimilar properties. This amino acid position is conserved. In addition, this alteration is predicted to be tolerated by in silico analysis. Since supporting evidence is limited at this time, the clinical significance of this alteration remains unclear.